The following is an entry in ClinVar:

ClinVar aggregate classification (germline): Pathogenic (1 of 4 stars; one submission).

Conditions:
Perry syndrome. Also called: PARKINSONISM WITH ALVEOLAR HYPOVENTILATION AND MENTAL DEPRESSION. Identifiers: Orphanet 178509, MedGen C1868594, MONDO:0008201, OMIM 168605.
Amyotrophic lateral sclerosis type 1 (ALS1). Also called: AMYOTROPHIC LATERAL SCLEROSIS 1, FAMILIAL. Identifiers: Orphanet 803, MedGen C1862939, MONDO:0007103, OMIM 105400.
Neuronopathy, distal hereditary motor, type 7B. Also called: Distal Hereditary Motor Neuronopathy Type 7B (dHMN7B); NEURONOPATHY, DISTAL HEREDITARY MOTOR, AUTOSOMAL DOMINANT 14; NEURONOPATHY, DISTAL HEREDITARY MOTOR, HARDING TYPE VIIB; NEUROPATHY, DISTAL HEREDITARY MOTOR, HARDING TYPE VIIB; NEUROPATHY, DISTAL HEREDITARY MOTOR, WITH VOCAL CORD PARALYSIS, HARDING TYPE VIIB; HMN VIIB. Identifiers: Orphanet 139589, MedGen C1843315, MONDO:0011879, OMIM 607641.

Submission:

Labcorp Genetics (formerly Invitae), Labcorp
Classification: Pathogenic for Amyotrophic lateral sclerosis type 1; Neuronopathy, distal hereditary motor, type 7B; Perry syndrome. Last evaluated: 2022-08-20. Review status: criteria provided, single submitter. Criteria: Invitae Variant Classification Sherloc (09022015). Collection method: clinical testing. Allele origin: germline.
Comment: For these reasons, this variant has been classified as Pathogenic. Experimental studies have shown that this premature translational stop signal affects DCTN1 function (PMID: 32023010). Algorithms developed to predict the effect of variants on protein structure and function are not available or were not evaluated for this variant. This premature translational stop signal has been observed in individual(s) with distal hereditary motor neuropathy (PMID: 32023010). In at least one individual the variant was observed to be de novo. This variant is not present in population databases (gnomAD no frequency). This sequence change creates a premature translational stop signal (p.Leu210Alafs*90) in the DCTN1 gene. It is expected to result in an absent or disrupted protein product. However, the current clinical and genetic evidence is not sufficient to establish whether loss-of-function variants in DCTN1 cause disease.

Literature cited by the submitters: PubMed 32023010.

NM_004082.5(DCTN1):c.626dup (p.Leu210fs)

Gene: DCTN1 (dynactin subunit 1; minus strand). Cytogenetic location: 2p13.1.
Variant type: Duplication.
Coding change: c.626dup on transcript NM_004082.5 (MANE Select); coding-DNA position 626, one base duplicated (C; older notation c.626dupC).
Protein change: p.Leu210fs; shifts the reading frame from leucine 210.
Molecular consequence: frameshift variant. On other transcripts: non-coding transcript variant (1).
Genome position (GRCh38, 1-based): chr2:74,371,556, G duplicated on the plus strand (C on the coding strand, the reverse complement: DCTN1 is on the minus strand); the first of 6 consecutive G bases (chr2:74,371,556-74,371,561); duplicating any one gives the same sequence. VCF-style (leftmost placement, unchanged base first): chr2-74371555-C-CG. GRCh37 (hg19) VCF-style: chr2-74598682-C-CG.
Other names: c.566dup, p.Leu190fs (NM_001135040.3); c.224dup, p.Leu76fs (NM_001135041.3, NM_023019.4); c.515dup, p.Leu173fs (NM_001190836.2); c.605dup, p.Leu203fs (NM_001190837.2); c.575dup, p.Leu193fs (NM_001378991.1); c.557dup, p.Leu187fs (NM_001378992.1); short protein forms L190fs, L76fs, L193fs, L203fs, L210fs, L173fs, L187fs.
Identifiers: ClinVar variation 1929273 (VCV001929273.5), dbSNP rs2529170080, ClinGen allele CA2580068181.
Genomic context (GRCh38, chr2:74,371,555, plus strand): 5'-CTGGGTGTCTTGATTCTCCTTTACCCCTACCCCAGGCCTTACCTTGGATGGGGAAGGAAG[C>CG]GGGGGGACTGCTCCAGGAGAGGTGAGGACCGGCGTGGGGATGATGGGTGCTGCCAGCGGA-3'